The following is an entry in ClinVar:

ClinVar aggregate classification (germline): Uncertain significance (1 of 4 stars; one submission).

Conditions:
Familial thoracic aortic aneurysm and aortic dissection (TAAD). Also called: Thoracic aortic aneurysms and dissections. Identifiers: Orphanet 91387, MedGen C4707243, MONDO:0019625.

Submission:

Ambry Genetics
Classification: Uncertain significance for Familial thoracic aortic aneurysm and aortic dissection. Last evaluated: 2021-10-27. Review status: criteria provided, single submitter. Criteria: Ambry Variant Classification Scheme 2023. Collection method: clinical testing. Allele origin: germline.
Comment: The c.333+2T>G intronic variant results from a T to G substitution two nucleotides after coding exon 3 in the COL3A1 gene. Alterations that disrupt the canonical splice site are expected to result in aberrant splicing. In silico splice site analysis predicts that this alteration will weaken the native splice donor site. The resulting transcript is predicted to be in-frame and is not expected to trigger nonsense-mediated mRNAdecay; however, direct evidence is unavailable. The exact functional effect of the altered amino acid sequence is unknown. This nucleotide position is highly conserved in available vertebrate species. Since supporting evidence is limited at this time, the clinical significance of this alteration remains unclear.

NM_000090.4(COL3A1):c.333+2T>G

Gene: COL3A1 (collagen type III alpha 1 chain; plus strand). Cytogenetic location: 2q32.2.
Variant type: single nucleotide variant.
Coding change: c.333+2T>G on transcript NM_000090.4 (MANE Select); the canonical splice donor site of the intron after coding-DNA position 333, T replaced by G.
Molecular consequence: splice donor variant.
Genome position (GRCh38, 1-based): chr2:188,985,249, T>G. VCF-style: chr2-188985249-T-G. GRCh37 (hg19) VCF-style: chr2-189849975-T-G.
Identifiers: ClinVar variation 1730309 (VCV001730309.2), dbSNP rs2469107239, ClinGen allele CA349847660.
Genomic context (GRCh38, chr2:188,985,249, plus strand): 5'-TTTATTAGCCTACTCGCCCTCCTAATGGTCAAGGACCTCAAGGCCCCAAGGGAGATCCAG[T>G]AAGTAAACATTCTTCAGTAGAATAAAATTAATACTAATGATAATTCTAGTAAGAGTTTGC-3'